The following is an entry in ClinVar:

ClinVar aggregate classification (germline): Uncertain significance (1 of 4 stars; one submission).

Submission:

Labcorp Genetics (formerly Invitae), Labcorp
Classification: Uncertain significance. Last evaluated: 2024-02-06. Review status: criteria provided, single submitter. Criteria: Invitae Variant Classification Sherloc (09022015). Collection method: clinical testing. Allele origin: germline.
Comment: This sequence change replaces isoleucine, which is neutral and non-polar, with arginine, which is basic and polar, at codon 338 of the FH protein (p.Ile338Arg). This variant is not present in population databases (gnomAD no frequency). This variant has not been reported in the literature in individuals affected with FH-related conditions. Advanced modeling of protein sequence and biophysical properties (such as structural, functional, and spatial information, amino acid conservation, physicochemical variation, residue mobility, and thermodynamic stability) performed at Invitae indicates that this missense variant is expected to disrupt FH protein function with a positive predictive value of 95%. In summary, the available evidence is currently insufficient to determine the role of this variant in disease. Therefore, it has been classified as a Variant of Uncertain Significance.

NM_000143.4(FH):c.1013T>G (p.Ile338Arg)

Gene: FH (fumarate hydratase; minus strand). Cytogenetic location: 1q43.
Variant type: single nucleotide variant.
Coding change: c.1013T>G on transcript NM_000143.4 (MANE Select); coding-DNA position 1013, T replaced by G.
Protein change: p.Ile338Arg; replaces isoleucine 338 with arginine.
Molecular consequence: missense variant.
Genome position (GRCh38, 1-based): chr1:241,504,137, A>C on the plus strand (T>G on the coding strand, the complement: FH is on the minus strand). VCF-style: chr1-241504137-A-C. GRCh37 (hg19) VCF-style: chr1-241667437-A-C.
Other names: short protein forms I338R.
Identifiers: ClinVar variation 3639220 (VCV003639220.2).
Genomic context (GRCh38, chr1:241,504,137, plus strand): 5'-AAGATCAATTCTCCCAGACCTGACCGAGGACCAGAACCCAAAAATCGAATATCATTTGCT[A>C]TCTTCATCAGACTGCAGGCAGTAGTGTTCATGGCTCCACTGAGCTCAACCAGAGCGTCAT-3'
Protein context (NP_000134.2, residues 328-348): MNTTACSLMK[Ile338Arg]ANDIRFLGSG